The following is an entry in ClinVar:

ClinVar aggregate classification (germline): Conflicting classifications of pathogenicity. Review status: criteria provided, conflicting classifications (1 of 4 stars). 4 submissions from 3 submitters: Likely pathogenic (1); Uncertain significance (2). 1 of the submissions does not count toward it. Last evaluated 2026-02-20.

Conditions:
Aarskog syndrome (AAS). Also called: Aarskog-Scott syndrome, X-linked; FGDY; Aarskog Scott syndrome; Aarskog disease; FGD1-Related Faciogenital Dysplasia (Aarskog-Scott Syndrome). Identifiers: Orphanet 915, MedGen C0175701, MONDO:0010589, OMIM 305400.
FGD1-related disorder. Also called: FGD1-related disorders; FGD1-related condition.

Submissions (4):

GeneDx
Classification: Likely pathogenic. Last evaluated: 2026-02-20. Review status: criteria provided, single submitter. Criteria: GeneDx Variant Classification Process June 2021. Collection method: clinical testing. Allele origin: germline.
Comment: In-frame deletion of 1 amino acid(s) in a non-repeat region; Not observed at significant frequency in large population cohorts (gnomAD); Has not been previously published as pathogenic or benign to our knowledge

PreventionGenetics, part of Exact Sciences
Classification: Uncertain significance for FGD1-related condition. Last evaluated: 2024-10-25. Review status: criteria provided, single submitter. Criteria: ACMG Guidelines, 2015. Collection method: clinical testing. Allele origin: germline.
Comment: The FGD1 c.1445_1447dupACA variant is predicted to result in an in-frame duplication (p.Asn482dup). To our knowledge, this variant has not been reported in the literature or in a large population database (gnomAD), indicating this variant is rare. At this time, the clinical significance of this variant is uncertain due to the absence of conclusive functional and genetic evidence.

Center for Human Genetics, Inc
Classification: Uncertain significance for Aarskog syndrome. Last evaluated: 2016-11-01. Review status: criteria provided, single submitter. Criteria: ACMG Guidelines, 2015. Collection method: clinical testing. Allele origin: germline. Affected: yes.

Center for Human Genetics, Inc
Classification: Uncertain significance for Aarskog syndrome. Last evaluated: 2016-11-01. Review status: flagged submission. Criteria: ACMG Guidelines, 2015. Collection method: clinical testing. Allele origin: germline. Affected: yes. Not counted in ClinVar's aggregate classification.
ClinVar note: Reason: This record appears to be redundant with a more recent record from the same submitter.
ClinVar note: Notes: SCV000781478 appears to be redundant with SCV000781479.

NM_004463.3(FGD1):c.1445_1447dup (p.Asn482dup)

Gene: FGD1 (FYVE, RhoGEF and PH domain containing 1; minus strand). Cytogenetic location: Xp11.22.
Variant type: Duplication.
Coding change: c.1445_1447dup on transcript NM_004463.3 (MANE Select); coding-DNA positions 1445 to 1447, 3 bases duplicated (ACA; older notation c.1445_1447dupACA).
Protein change: p.Asn482dup; duplicates asparagine 482.
Molecular consequence: inframe insertion.
Genome position (GRCh38, 1-based): chrX:54,465,746-54,465,748, TGT duplicated on the plus strand (ACA on the coding strand, the reverse complement: FGD1 is on the minus strand); duplicating any 3 consecutive bases within chrX:54,465,746-54,465,750 gives the same sequence; the c. name uses the placement nearest the transcript's 3' end. VCF-style (leftmost placement, unchanged base first): chrX-54465745-G-GTGT. GRCh37 (hg19) VCF-style: chrX-54492178-G-GTGT.
Other names: c.1445_1447dupACA (NM_004463.2); c.1445_1447dup (NM_004463.2).
Identifiers: ClinVar variation 547366 (VCV000547366.4), dbSNP rs1557189266, ClinGen allele CA658824577.